The following is an entry in ClinVar:

NM_000384.3(APOB):c.3658G>C (p.Asp1220His)

Gene: APOB (apolipoprotein B; minus strand). Cytogenetic location: 2p24.1.
Variant type: single nucleotide variant.
Coding change: c.3658G>C on transcript NM_000384.3 (MANE Select); coding-DNA position 3658, G replaced by C.
Protein change: p.Asp1220His; replaces aspartic acid 1220 with histidine.
Molecular consequence: missense variant.
Genome position (GRCh38, 1-based): chr2:21,015,111, C>G on the plus strand (G>C on the coding strand, the complement: APOB is on the minus strand). VCF-style: chr2-21015111-C-G. GRCh37 (hg19) VCF-style: chr2-21237983-C-G.
Other names: short protein forms D1220H.
Identifiers: ClinVar variation 5027472 (VCV005027472.1).
Genomic context (GRCh38, chr2:21,015,111, plus strand): 5'-TGACTGGCAGACTCATACTTACAACTATTAATTTGGAACCCACGTGCCGGAAAGTCATGT[C>G]TGTTTGAGGGACTCTGTGATCCAGGAGTCTATTAGCATACATATGCAAGCTCTTAGGATA-3'
Protein context (NP_000375.3, residues 1210-1230): RLLDHRVPQT[Asp1220His]MTFRHVGSKL

ClinVar aggregate classification (germline): Uncertain significance (1 of 4 stars; one submission).

Conditions:
Cardiovascular phenotype. Identifiers: MedGen CN230736.

Submission:

Ambry Genetics
Classification: Uncertain significance for Cardiovascular phenotype. Last evaluated: 2026-07-02. Review status: criteria provided, single submitter. Criteria: Ambry Variant Classification Scheme 2023. Collection method: clinical testing. Allele origin: germline.
Comment: The p.D1220H variant (also known as c.3658G>C), located in coding exon 23 of the APOB gene, results from a G to C substitution at nucleotide position 3658. The aspartic acid at codon 1220 is replaced by histidine, an amino acid with similar properties. This amino acid position is conserved. In addition, this alteration is predicted to be tolerated by in silico analysis. Based on the available evidence, the clinical significance of this variant remains unclear.